The following is an entry in ClinVar:

NM_005530.3(IDH3A):c.273C>T (p.Asn91=)

Gene: IDH3A (isocitrate dehydrogenase (NAD(+)) 3 catalytic subunit alpha; plus strand). Cytogenetic location: 15q25.1.
Variant type: single nucleotide variant.
Coding change: c.273C>T on transcript NM_005530.3 (MANE Select); coding-DNA position 273, C replaced by T.
Protein change: p.Asn91=; no amino-acid change (asparagine 91 retained).
Molecular consequence: synonymous variant.
Genome position (GRCh38, 1-based): chr15:78,160,190, C>T. VCF-style: chr15-78160190-C-T. GRCh37 (hg19) VCF-style: chr15-78452532-C-T.
Identifiers: ClinVar variation 2020091 (VCV002020091.4), dbSNP rs1402641157, ClinGen allele CA491598557.

ClinVar aggregate classification (germline): Uncertain significance (1 of 4 stars; one submission).

Allele frequency attached by ClinVar (database versions not stated): gnomAD 0.00001.
gnomAD v4.1: 3 of 1,599,006 alleles (0.00019%); highest among the groups gnomAD compares: Admixed American, 0.0017%; no homozygotes.

Submission:

Labcorp Genetics (formerly Invitae), Labcorp
Classification: Uncertain significance. Last evaluated: 2022-07-29. Review status: criteria provided, single submitter. Criteria: Invitae Variant Classification Sherloc (09022015). Collection method: clinical testing. Allele origin: germline.
Comment: This variant has not been reported in the literature in individuals affected with IDH3A-related conditions. This sequence change affects codon 91 of the IDH3A mRNA. It is a 'silent' change, meaning that it does not change the encoded amino acid sequence of the IDH3A protein. This variant is present in population databases (no rsID available, gnomAD 0.003%). Algorithms developed to predict the effect of sequence changes on RNA splicing suggest that this variant may disrupt the consensus splice site. In summary, the available evidence is currently insufficient to determine the role of this variant in disease. Therefore, it has been classified as a Variant of Uncertain Significance.